The following is an entry in ClinVar:

ClinVar aggregate classification (germline): Uncertain significance (1 of 4 stars; one submission).

Conditions:
Familial hemiplegic migraine. Identifiers: MedGen C0338484, MONDO:0000700.

Submission:

Labcorp Genetics (formerly Invitae), Labcorp
Classification: Uncertain significance for Familial hemiplegic migraine. Last evaluated: 2025-03-17. Review status: criteria provided, single submitter. Criteria: Invitae Variant Classification Sherloc (09022015). Collection method: clinical testing. Allele origin: germline.
Comment: This sequence change replaces alanine, which is neutral and non-polar, with serine, which is neutral and polar, at codon 418 of the ATP1A2 protein (p.Ala418Ser). This variant is not present in population databases (gnomAD no frequency). This variant has not been reported in the literature in individuals affected with ATP1A2-related conditions. ClinVar contains an entry for this variant (Variation ID: 2704705). Invitae Evidence Modeling of protein sequence and biophysical properties (such as structural, functional, and spatial information, amino acid conservation, physicochemical variation, residue mobility, and thermodynamic stability) indicates that this missense variant is not expected to disrupt ATP1A2 protein function with a negative predictive value of 80%. In summary, the available evidence is currently insufficient to determine the role of this variant in disease. Therefore, it has been classified as a Variant of Uncertain Significance.

NM_000702.4(ATP1A2):c.1252G>T (p.Ala418Ser)

Gene: ATP1A2 (ATPase Na+/K+ transporting subunit alpha 2; plus strand). Cytogenetic location: 1q23.2.
Variant type: single nucleotide variant.
Coding change: c.1252G>T on transcript NM_000702.4 (MANE Select); coding-DNA position 1252, G replaced by T.
Protein change: p.Ala418Ser; replaces alanine 418 with serine.
Molecular consequence: missense variant.
Genome position (GRCh38, 1-based): chr1:160,129,015, G>T. VCF-style: chr1-160129015-G-T. GRCh37 (hg19) VCF-style: chr1-160098805-G-T.
Other names: short protein forms A418S.
Identifiers: ClinVar variation 2704705 (VCV002704705.3), dbSNP rs2524868966, ClinGen allele CA343240256.
Genomic context (GRCh38, chr1:160,129,015, plus strand): 5'-CTGGTTCCCCCTCATTTCCTCCCAGGGGCCACTTTTGACAAACGATCCCCTACGTGGACG[G>T]CCCTGTCTCGAATTGCTGGTCTCTGCAACCGCGCCGTCTTCAAGGCAGGACAGGAGAACA-3'
Protein context (NP_000693.1, residues 408-428): TFDKRSPTWT[Ala418Ser]LSRIAGLCNR